The following is an entry in ClinVar:

ClinVar aggregate classification (germline): Uncertain significance. Review status: criteria provided, multiple submitters, no conflicts (2 of 4 stars). 4 submissions from 4 submitters: Uncertain significance (4). Last evaluated 2025-10-31.

Conditions:
Inborn genetic diseases. Identifiers: MedGen C0950123, MeSH D030342.
Periventricular heterotopia with microcephaly, autosomal recessive (ARPHM). Also called: PERIVENTRICULAR NODULAR HETEROTOPIA 2; Periventricular heterotopia with microcephaly. Identifiers: Orphanet 2149, MedGen C1842563, MONDO:0011966, OMIM 608097.

Allele frequency attached by ClinVar (database versions not stated): ExAC 0.00002; TOPMed 0.00002; gnomAD 0.00003; gnomAD exomes 0.00003 and 0.00005; 1000 Genomes Project 0.00020; 1000 Genomes Project 30x 0.00031.
gnomAD v4.1: 87 of 1,613,976 alleles (0.0054%); highest among the groups gnomAD compares: Admixed American, 0.017%; no homozygotes.

Submissions (4):

Clinical Genomics Laboratory, Washington University in St. Louis
Classification: Uncertain significance for Periventricular heterotopia with microcephaly, autosomal recessive. Last evaluated: 2025-10-31. Review status: criteria provided, single submitter. Criteria: ACMG Guidelines, 2015. Collection method: clinical testing. Allele origin: germline.
Comment: An ARFGEF2 c.5117G>A (p.Arg1706Gln) variant was identified at a near-heterozygous allelic fraction of 48.6%, a frequency which may be consistent with it being of germline origin. The ARFGEF2 c.5117G>A (p.Arg1706Gln) variant, to our knowledge, has not been reported in the medical literature. This variant has been reported in the ClinVar database as a germline variant of uncertain significance by four submitters (ClinVar ID: 338707). It is only observed on 87/1,613,976 alleles in the general population (gnomAD v4.1.0), indicating it is not a common variant. Computational predictors are uncertain as to the impact of this variant on ARFGEF2 function. Due to limited information, and based on ACMG/AMP guidelines for variant interpretation (Richards S et al., PMID: 25741868), the clinical significance of this variant is uncertain at this time.

Labcorp Genetics (formerly Invitae), Labcorp
Classification: Uncertain significance. Last evaluated: 2025-04-21. Review status: criteria provided, single submitter. Criteria: Invitae Variant Classification Sherloc (09022015). Collection method: clinical testing. Allele origin: germline.
Comment: This sequence change replaces arginine, which is basic and polar, with glutamine, which is neutral and polar, at codon 1706 of the ARFGEF2 protein (p.Arg1706Gln). This variant is present in population databases (rs201225495, gnomAD 0.02%). This variant has not been reported in the literature in individuals affected with ARFGEF2-related conditions. ClinVar contains an entry for this variant (Variation ID: 338707). An algorithm developed to predict the effect of missense changes on protein structure and function (PolyPhen-2) suggests that this variant is likely to be disruptive. In summary, the available evidence is currently insufficient to determine the role of this variant in disease. Therefore, it has been classified as a Variant of Uncertain Significance.

Athena Diagnostics
Classification: Uncertain significance. Last evaluated: 2024-04-30. Review status: criteria provided, single submitter. Criteria: Athena Diagnostics Criteria. Collection method: clinical testing. Allele origin: unknown.
Comment: Available data are insufficient to determine the clinical significance of the variant at this time. The frequency of this variant in the general population is uninformative in assessment of its pathogenicity. Polyphen and MutationTaster yielded discordant predictions regarding whether this amino acid change is damaging to the protein.

Ambry Genetics
Classification: Uncertain significance for Inborn genetic diseases. Last evaluated: 2024-01-02. Review status: criteria provided, single submitter. Criteria: Ambry Variant Classification Scheme 2023. Collection method: clinical testing. Allele origin: germline.

NM_006420.3(ARFGEF2):c.5117G>A (p.Arg1706Gln)

Gene: ARFGEF2 (ARF guanine nucleotide exchange factor 2; plus strand). Cytogenetic location: 20q13.13.
Variant type: single nucleotide variant.
Coding change: c.5117G>A on transcript NM_006420.3 (MANE Select); coding-DNA position 5117, G replaced by A.
Protein change: p.Arg1706Gln; replaces arginine 1706 with glutamine.
Molecular consequence: missense variant.
Genome position (GRCh38, 1-based): chr20:49,032,102, G>A. VCF-style: chr20-49032102-G-A. GRCh37 (hg19) VCF-style: chr20-47648639-G-A.
Other names: short protein forms R1706Q.
Identifiers: ClinVar variation 338707 (VCV000338707.10), dbSNP rs201225495, ClinGen allele CA9899407.